The following is an entry in ClinVar:

NM_000554.6(CRX):c.660dup (p.Tyr221fs)

Gene: CRX (cone-rod homeobox; plus strand). Cytogenetic location: 19q13.33.
Variant type: Duplication.
Coding change: c.660dup on transcript NM_000554.6 (MANE Select); coding-DNA position 660, one base duplicated (C; older notation c.660dupC).
Protein change: p.Tyr221fs; shifts the reading frame from tyrosine 221.
Molecular consequence: frameshift variant.
Genome position (GRCh38, 1-based): chr19:47,839,727, C duplicated; the last of 4 consecutive C bases (chr19:47,839,724-47,839,727); duplicating any one gives the same sequence. VCF-style (leftmost placement, unchanged base first): chr19-47839723-A-AC. GRCh37 (hg19) VCF-style: chr19-48342980-A-AC.
Other names: short protein forms Y221fs.
Identifiers: ClinVar variation 1013687 (VCV001013687.7), dbSNP rs864309707, ClinGen allele CA2339609258.
Genomic context (GRCh38, chr19:47,839,723, plus strand): 5'-CCGCTTTCTGCTCTTCCCCCTCCGCCTATGGGTCTCCGAGCTCCTATTTCAGCGGCCTAG[A>AC]CCCCTACCTTTCTCCCATGGTGCCCCAGCTAGGGGGCCCGGCTCTTAGCCCCCTCTCTGG-3'

ClinVar aggregate classification (germline): Pathogenic (1 of 4 stars; one submission).

Conditions:
Cone-rod dystrophy 2 (CORD2). Also called: CONE-ROD RETINAL DYSTROPHY; Cone-rod retinal dystrophy 2. Identifiers: Orphanet 1872, MedGen C3489532, MONDO:0007362, OMIM 120970.
Leber congenital amaurosis 7 (LCA7). Identifiers: Orphanet 65, MedGen C3151192, MONDO:0013449, OMIM 613829.

Submission:

Labcorp Genetics (formerly Invitae), Labcorp
Classification: Pathogenic for Cone-rod dystrophy 2; Leber congenital amaurosis 7. Last evaluated: 2026-01-05. Review status: criteria provided, single submitter. Criteria: Invitae Variant Classification Sherloc (09022015). Collection method: clinical testing. Allele origin: germline.
Comment: This sequence change creates a premature translational stop signal (p.Tyr221Leufs*15) in the CRX gene. While this is not anticipated to result in nonsense mediated decay, it is expected to disrupt the last 79 amino acid(s) of the CRX protein. This variant is not present in population databases (gnomAD no frequency). This variant has not been reported in the literature in individuals affected with CRX-related conditions. ClinVar contains an entry for this variant (Variation ID: 1013687). This variant disrupts a region of the CRX protein in which other variant(s) (p.Tyr258*) have been determined to be pathogenic (PMID: 22968130, 25270190). This suggests that this is a clinically significant region of the protein, and that variants that disrupt it are likely to be disease-causing. For these reasons, this variant has been classified as Pathogenic.

Literature cited by the submitters: PubMed 22968130; PubMed 25270190.